The following is an entry in ClinVar:

ClinVar aggregate classification (germline): Likely benign. Review status: criteria provided, single submitter (1 of 4 stars). 2 submissions from 2 submitters: Likely benign (1). 1 of the submissions does not count toward it. Last evaluated 2025-10-13.

Conditions:
SH2B1-related disorder. Also called: SH2B1-related condition.

Allele frequency attached by ClinVar (database versions not stated): gnomAD exomes 0.00006; gnomAD 0.00007; TOPMed 0.00007; ExAC 0.00010; 1000 Genomes Project 0.00020; 1000 Genomes Project 30x 0.00031.
gnomAD v4.1: 94 of 1,613,970 alleles (0.0058%); highest among the groups gnomAD compares: African/African-American, 0.025%; no homozygotes.

Submissions (2):

Labcorp Genetics (formerly Invitae), Labcorp
Classification: Likely benign. Last evaluated: 2025-10-13. Review status: criteria provided, single submitter. Criteria: Invitae Variant Classification Sherloc (09022015). Collection method: clinical testing. Allele origin: germline.

PreventionGenetics, part of Exact Sciences
Classification: Likely benign for SH2B1-related condition. Last evaluated: 2019-09-18. Review status: no assertion criteria provided. Collection method: clinical testing. Allele origin: germline. Not counted in ClinVar's aggregate classification.
Comment: This variant is classified as likely benign based on ACMG/AMP sequence variant interpretation guidelines (Richards et al. 2015 PMID: 25741868, with internal and published modifications).

NM_001387430.1(SH2B1):c.1632C>T (p.Gly544=)

Gene: SH2B1 (SH2B adaptor protein 1; plus strand). Cytogenetic location: 16p11.2.
Variant type: single nucleotide variant.
Coding change: c.1632C>T on transcript NM_001387430.1 (MANE Select); coding-DNA position 1632, C replaced by T.
Protein change: p.Gly544=; no amino-acid change (glycine 544 retained).
Molecular consequence: synonymous variant.
Genome position (GRCh38, 1-based): chr16:28,872,308, C>T. VCF-style: chr16-28872308-C-T. GRCh37 (hg19) VCF-style: chr16-28883629-C-T.
Other names: c.1632C>T, p.Gly544= (NM_001145795.2, NM_001145796.2, NM_001145797.2 and 4 more transcripts); c.624C>T, p.Gly208= (NM_001308294.2).
Identifiers: ClinVar variation 3035244 (VCV003035244.3), dbSNP rs534843240, ClinGen allele CA7986261.